The following is an entry in ClinVar:

ClinVar aggregate classification (germline): Pathogenic (1 of 4 stars; one submission).

Conditions:
Inborn genetic diseases. Identifiers: MedGen C0950123, MeSH D030342.

Submission:

Ambry Genetics
Classification: Pathogenic for Inborn genetic diseases. Last evaluated: 2023-12-12. Review status: criteria provided, single submitter. Criteria: Ambry Variant Classification Scheme 2023. Collection method: clinical testing. Allele origin: germline.
Comment: The c.3706C>T (p.Q1236*) alteration, located in exon 15 (coding exon 15) of the PKD1 gene, consists of a C to T substitution at nucleotide position 3706. This alteration is expected to result in loss of function by premature protein truncation or nonsense-mediated mRNA decay. This variant was not reported in population-based cohorts in the Genome Aggregation Database (gnomAD). This variant has been reported in at least one individual with polycystic kidney disease (Nigro, 2023; Mantovani, 2020; Carrera, 2016). Based on the available evidence, this alteration is classified as pathogenic.

Literature cited by the submitters: PubMed 27499327; PubMed 32457805; PubMed 37372416.

NM_001009944.3(PKD1):c.3706C>T (p.Gln1236Ter)

Gene: PKD1 (polycystin 1, transient receptor potential channel interacting; minus strand). Cytogenetic location: 16p13.3.
Variant type: single nucleotide variant.
Coding change: c.3706C>T on transcript NM_001009944.3 (MANE Select); coding-DNA position 3706, C replaced by T.
Protein change: p.Gln1236Ter; replaces glutamine 1236 with a stop codon.
Molecular consequence: nonsense.
Genome position (GRCh38, 1-based): chr16:2,111,461, G>A on the plus strand (C>T on the coding strand, the complement: PKD1 is on the minus strand). VCF-style: chr16-2111461-G-A. GRCh37 (hg19) VCF-style: chr16-2161462-G-A.
Other names: c.3706C>T, p.Gln1236Ter (NM_000296.4); short protein forms Q1236*.
Identifiers: ClinVar variation 3213466 (VCV003213466.1), dbSNP rs2544828429, ClinGen allele CA394382574.